The following is an entry in ClinVar:

NM_001035.3(RYR2):c.14298+159A>T

Gene: RYR2 (ryanodine receptor 2; plus strand). Cytogenetic location: 1q43.
Variant type: single nucleotide variant.
Coding change: c.14298+159A>T on transcript NM_001035.3 (MANE Select); 159 bases into the intron after coding-DNA position 14298, A replaced by T.
Molecular consequence: intron variant.
Genome position (GRCh38, 1-based): chr1:237,806,442, A>T. VCF-style: chr1-237806442-A-T. GRCh37 (hg19) VCF-style: chr1-237969742-A-T.
Identifiers: ClinVar variation 672391 (VCV000672391.1), dbSNP rs790880, ClinGen allele CA39842820.

ClinVar aggregate classification (germline): Benign (1 of 4 stars; one submission).

Allele frequency attached by ClinVar (database versions not stated): gnomAD 0.16986 and 0.17900; TOPMed 0.17517; 1000 Genomes Project 30x 0.23532; 1000 Genomes Project 0.23982.
gnomAD v4.1: 27,263 of 152,168 alleles (18%); highest among the groups gnomAD compares: East Asian, 50%; 3,076 homozygotes.

Submission:

GeneDx
Classification: Benign. Last evaluated: 2018-06-19. Review status: criteria provided, single submitter. Criteria: GeneDx Variant Classification (06012015). Collection method: clinical testing. Allele origin: germline. Affected: yes.
Comment: This variant is considered likely benign or benign based on one or more of the following criteria: it is a conservative change, it occurs at a poorly conserved position in the protein, it is predicted to be benign by multiple in silico algorithms, and/or has population frequency not consistent with disease.